The following is an entry in ClinVar:

NM_007294.4(BRCA1):c.5332+1G>A

Gene: BRCA1 (BRCA1 DNA repair associated; minus strand). Cytogenetic location: 17q21.31.
Variant type: single nucleotide variant.
Coding change: c.5332+1G>A on transcript NM_007294.4 (MANE Select); the canonical splice donor site of the intron after coding-DNA position 5332, G replaced by A.
Molecular consequence: splice donor variant. On other transcripts: intron variant (2).
Genome position (GRCh38, 1-based): chr17:43,051,062, C>T on the plus strand (G>A on the coding strand, the complement: BRCA1 is on the minus strand). VCF-style: chr17-43051062-C-T. GRCh37 (hg19) VCF-style: chr17-41203079-C-T.
Other names: IVS21+1G>A; c.5119+1G>A (NM_001407897.1, NM_001407908.1, NM_001407896.1 and 12 more transcripts); c.4999+1G>A (NM_001407947.1, NM_001407948.1, NM_001407949.1 and 1 more transcripts); c.1096+1G>A (NM_001408514.1); c.1810+1G>A (NM_001408485.1, NM_001408482.1, NM_001408484.1 and 5 more transcripts); c.5122+1G>A (NM_001407882.1, NM_001407879.1, NM_001407885.1 and 5 more transcripts); c.1894+1G>A (NM_001408447.1, NM_001408450.1, NM_001408446.1 and 2 more transcripts); c.1897+1G>A (NM_001408433.1, NM_001408441.1, NM_001408437.1 and 10 more transcripts); and 75 more.
Identifiers: ClinVar variation 55527 (VCV000055527.57), dbSNP rs80358041, ClinGen allele CA003484.
Genomic context (GRCh38, chr17:43,051,062, plus strand): 5'-ATACTCCACTATGTAAGACAAAGGCTGGTGCTGGAACTCTGGGGTTCTCCCAGGCTCTTA[C>T]CTGTGGGCATGTTGGTGAAGGGCCCATAGCAACAGATTTCTAGCCCCCTGAAGATCTGGA-3'

ClinVar aggregate classification (germline): Pathogenic. Review status: reviewed by expert panel (3 of 4 stars). 14 submissions from 14 submitters: Pathogenic (1). 13 of the submissions do not count toward it. Last evaluated 2016-04-03.

Conditions:
Hereditary cancer-predisposing syndrome. Also called: Hereditary Cancer Syndrome; Hereditary neoplastic syndrome; Neoplastic Syndromes, Hereditary; Tumor predisposition. Identifiers: Orphanet 140162, MedGen C0027672, MeSH D009386, MONDO:0015356.
Breast-ovarian cancer, familial, susceptibility to, 1 (BROVCA1). Also called: BRCA1 Hereditary Breast and Ovarian Cancer; OVARIAN CANCER, SUSCEPTIBILITY TO. Identifiers: Orphanet 145, MedGen C2676676, MONDO:0011450, OMIM 604370. Disease mechanism: loss of function.
Hereditary breast ovarian cancer syndrome. Also called: BRCA1- and BRCA2-Associated Hereditary Breast and Ovarian Cancer; Hereditary breast and ovarian cancer syndrome; Hereditary breast and ovarian cancer syndrome (HBOC); Breast and ovarian cancer; Hereditary breast and/or ovarian cancer syndrome; Hereditary breast and ovarian cancer. Identifiers: Orphanet 145, MedGen C0677776, MeSH D061325, MONDO:0003582. Disease mechanism: loss of function.

Allele frequency attached by ClinVar (database versions not stated): gnomAD exomes below 0.00001; ExAC 0.00001.
gnomAD v4.1: 1 of 1,613,860 alleles (0.000062%); highest among the groups gnomAD compares: East Asian, 0.0022%; no homozygotes.

Submissions (15):

Evidence-based Network for the Interpretation of Germline Mutant Alleles (ENIGMA)
Classification: Pathogenic for Breast-ovarian cancer, familial, susceptibility to, 1. Last evaluated: 2016-04-03. Review status: reviewed by expert panel. Criteria: ENIGMA BRCA1/2 Classification Criteria (2015). Collection method: curation. Allele origin: germline.
Comment: Allele-specific assay on patient-derived mRNA demonstrated that the variant allele produces only predicted non-functional transcripts. Variant allele produces r.5278_5332del transcript (encoding predicted non-functional protein).

Ambry Genetics
Classification: Pathogenic for Hereditary cancer-predisposing syndrome. Last evaluated: 2025-04-16. Review status: criteria provided, single submitter. Criteria: Ambry Variant Classification Scheme 2023. Collection method: clinical testing. Allele origin: germline. Not counted in ClinVar's aggregate classification.
Comment: The c.5332+1G>A intronic pathogenic mutation results from a G to A substitution one nucleotide after coding exon 19 of the BRCA1 gene. RNA splicing assays have shown this alteration to cause coding exon 19 (exon 21 in literature) skipping (Ambry internal data; Colombo M et al. PLoS ONE. 2013; 8(2): e57173; Steffensen AY et al. Eur. J. Hum. Genet. 2014 Dec;22:1362-8). One functional study found that this nucleotide substitution is deleterious in a high throughput genome editing haploid cell survival assay (Findlay GM et al. Nature 2018 10;562(7726):217-222). In addition to the clinical data presented in the literature, alterations that disrupt the canonical splice site are expected to cause aberrant splicing, resulting in an abnormal protein or a transcript that is subject to nonsense-mediated mRNA decay. Based on the supporting evidence, this alteration is interpreted as a disease-causing mutation.

Revvity Omics, Revvity
Classification: Pathogenic. Last evaluated: 2024-10-08. Review status: criteria provided, single submitter. Criteria: ACMG Guidelines, 2015. Collection method: clinical testing. Allele origin: germline. Not counted in ClinVar's aggregate classification.

Labcorp Genetics (formerly Invitae), Labcorp
Classification: Pathogenic for Hereditary breast ovarian cancer syndrome. Last evaluated: 2024-09-04. Review status: criteria provided, single submitter. Criteria: Invitae Variant Classification Sherloc (09022015). Collection method: clinical testing. Allele origin: germline. Not counted in ClinVar's aggregate classification.
Comment: This sequence change affects a donor splice site in intron 20 of the BRCA1 gene. RNA analysis indicates that disruption of this splice site induces altered splicing and may result in an absent or altered protein product. This variant is present in population databases (rs80358041, gnomAD 0.006%). Disruption of this splice site has been observed in individual(s) with breast and/or ovarian cancer (PMID: 11084537, 16324400, 19629752, 27083178). This variant is also known as c.5451+1G>A. ClinVar contains an entry for this variant (Variation ID: 55527). Studies have shown that disruption of this splice site results in skipping of exon 20 (also known as exon 21), and produces a non-functional protein and/or introduces a premature termination codon (PMID: 23451180, 24667779; internal data). For these reasons, this variant has been classified as Pathogenic.

Baylor Genetics
Classification: Pathogenic for Breast-ovarian cancer, familial, susceptibility to, 1. Last evaluated: 2023-06-26. Review status: criteria provided, single submitter. Criteria: ACMG Guidelines, 2015. Collection method: clinical testing. Allele origin: unknown. Not counted in ClinVar's aggregate classification.

Color Diagnostics, LLC DBA Color Health
Classification: Pathogenic for Hereditary cancer-predisposing syndrome. Last evaluated: 2022-09-27. Review status: criteria provided, single submitter. Criteria: ACMG Guidelines, 2015. Collection method: clinical testing. Allele origin: germline. Not counted in ClinVar's aggregate classification.
Comment: This variant causes a G to A nucleotide substitution at the +1 position of intron 20 of the BRCA1 gene. RNA studies have reported that this variant causes the out-of-frame skipping of exon 20 resulting in premature termination (PMID: 19629752, 24667779) and a functional study has reported that this variant impacts BRCA1 function in a haploid cell proliferation assay (PMID: 30209399). This variant has been reported in at least five individuals affected with breast or ovarian cancer (PMID: 19629752, 26541979, 26997744, 27083178, 28993434, 30715675, 33471991, 35464868; Leiden Open Variation Database DB-ID BRCA1_000567). This variant has been identified in 1/251352 chromosomes in the general population by the Genome Aggregation Database (gnomAD). Loss of BRCA1 function is a known mechanism of disease. Based on the available evidence, this variant is classified as Pathogenic.

Women's Health and Genetics/Laboratory Corporation of America, LabCorp
Classification: Pathogenic for Hereditary breast ovarian cancer syndrome. Last evaluated: 2022-07-26. Review status: criteria provided, single submitter. Criteria: LabCorp Variant Classification Summary - May 2015. Collection method: clinical testing. Allele origin: germline. Not counted in ClinVar's aggregate classification.
Comment: Variant summary: BRCA1 c.5332+1G>A is located in a canonical splice-site and is predicted to affect mRNA splicing resulting in a significantly altered protein due to either exon skipping, shortening, or inclusion of intronic material. Several computational tools predict a significant impact on normal splicing: Four predict the variant abolishes a 5 splicing donor site. Experimental evidence supports these predictions demonstrating that this variant affects mRNA splicing, leading to skipping of exon 20 (Colombo_2013). The variant allele was found at a frequency of 4e-06 in 251352 control chromosomes (gnomAD). c.5332+1G>A has been reported in the literature in multiple individuals affected with Hereditary Breast And Ovarian Cancer Syndrome (e.g. Rebbeck_2018). These data indicate that the variant is very likely to be associated with disease. Experimental evidence evaluating an impact on protein function through employment of a cell-survival assay in a population of edited haploid HAP1 cells as a measure of functional HDR pathway, determined the variant to be non-functional (Findlay_2018). Seven ClinVar submitters including an expert panel (ENIGMA) (evaluation after 2014) cite the variant as pathogenic. Based on the evidence outlined above, the variant was classified as pathogenic.

National Health Laboratory Service, Universitas Academic Hospital and University of the Free State
Classification: Pathogenic for Hereditary breast ovarian cancer syndrome. Last evaluated: 2021-11-16. Review status: criteria provided, single submitter. Criteria: ACMG Guidelines, 2015. Collection method: clinical testing. Allele origin: germline. Affected: yes. Observed: 1 variant allele. Not counted in ClinVar's aggregate classification.

Quest Diagnostics Nichols Institute San Juan Capistrano
Classification: Pathogenic. Last evaluated: 2016-10-03. Review status: criteria provided, single submitter. Criteria: Quest Diagnostics criteria. Collection method: clinical testing. Allele origin: germline. Not counted in ClinVar's aggregate classification.

Consortium of Investigators of Modifiers of BRCA1/2 (CIMBA), c/o University of Cambridge
Classification: Pathogenic for Breast-ovarian cancer, familial, susceptibility to, 1. Last evaluated: 2015-10-02. Review status: criteria provided, single submitter. Criteria: CIMBA Mutation Classification guidelines May 2016. Collection method: clinical testing. Allele origin: germline. Not counted in ClinVar's aggregate classification.

University of Science and Technology Houari Boumediene, Laboratory of Molecular and Cellular Biology (LBCM)
Classification: Pathogenic for Breast-ovarian cancer, familial, susceptibility to, 1. Review status: criteria provided, single submitter. Criteria: ACMG Guidelines, 2015. Collection method: clinical testing. Allele origin: germline. Inheritance: Autosomal dominant inheritance. Affected: yes. Observed: 3 heterozygotes. Not counted in ClinVar's aggregate classification.

Breast Cancer Information Core (BIC) (BRCA1)
Classification: Pathogenic for Breast-ovarian cancer, familial 1. Last evaluated: 1999-06-21. Review status: no assertion criteria provided. Collection method: clinical testing. Allele origin: germline. Affected: yes. Observed: 2 variant alleles. Not counted in ClinVar's aggregate classification.

Brotman Baty Institute, University of Washington
No classification provided (evidence only). Condition: Breast-ovarian cancer, familial 1. Review status: no classification provided. Collection method: in vitro. Allele origin: not applicable. Functional consequence: functionally_abnormal. Not counted in ClinVar's aggregate classification.
ClinVar note: "not provided" was previously submitted as the classification for the variant. However, the classification appeared to be based only on an observation of functional data so it was converted to no classification on 2025-07-30.

Diagnostic Laboratory, Department of Genetics, University Medical Center Groningen
Classification: Pathogenic. Review status: no assertion criteria provided. Collection method: clinical testing. Allele origin: germline. Affected: yes. Study: VKGL Data-share Consensus. Not counted in ClinVar's aggregate classification.

Joint Genome Diagnostic Labs from Nijmegen and Maastricht, Radboudumc and MUMC+
Classification: Pathogenic. Review status: no assertion criteria provided. Collection method: clinical testing. Allele origin: germline. Affected: yes. Study: VKGL Data-share Consensus. Not counted in ClinVar's aggregate classification.

Literature cited by the submitters: PubMed 23451180 (cited by 5 submitters); PubMed 19629752 (cited by 4 submitters); PubMed 21989022 (cited by Ambry Genetics and Quest Diagnostics Nichols Institute San Juan Capistrano); PubMed 24667779 (cited by 4 submitters); PubMed 25525159 (cited by Ambry Genetics); PubMed 25724305 (cited by Ambry Genetics); PubMed 26541979 (cited by 3 submitters); PubMed 26997744 (cited by 3 submitters); PubMed 28993434 (cited by Ambry Genetics and Color Diagnostics, LLC DBA Color Health); PubMed 30209399 (cited by 3 submitters); PubMed 11084537 (cited by Labcorp Genetics (formerly Invitae), Labcorp); PubMed 16324400 (cited by Labcorp Genetics (formerly Invitae), Labcorp); PubMed 27083178 (cited by Labcorp Genetics (formerly Invitae), Labcorp and Color Diagnostics, LLC DBA Color Health); PubMed 30715675 (cited by Color Diagnostics, LLC DBA Color Health and University of Science and Technology Houari Boumediene, Laboratory of Molecular and Cellular Biology (LBCM)); PubMed 33471991 (cited by Color Diagnostics, LLC DBA Color Health); PubMed 35464868 (cited by Color Diagnostics, LLC DBA Color Health); PubMed 29446198 (cited by Women's Health and Genetics/Laboratory Corporation of America, LabCorp); DOI 10.3389/fgene.2022.834265 (cited by National Health Laboratory Service, Universitas Academic Hospital and University of the Free State); PubMed 26028024 (cited by Quest Diagnostics Nichols Institute San Juan Capistrano); PubMed 18512148 (cited by Quest Diagnostics Nichols Institute San Juan Capistrano); PubMed 15131401 (cited by Quest Diagnostics Nichols Institute San Juan Capistrano).